The following is an entry in ClinVar:

NM_015205.3(ATP11A):c.1088C>G (p.Ser363Cys)

Gene: ATP11A (ATPase phospholipid transporting 11A; plus strand). Cytogenetic location: 13q34.
Variant type: single nucleotide variant.
Coding change: c.1088C>G on transcript NM_015205.3 (MANE Select); coding-DNA position 1088, C replaced by G.
Protein change: p.Ser363Cys; replaces serine 363 with cysteine.
Molecular consequence: missense variant.
Genome position (GRCh38, 1-based): chr13:112,826,758, C>G. VCF-style: chr13-112826758-C-G. GRCh37 (hg19) VCF-style: chr13-113481072-C-G.
Other names: c.1088C>G, p.Ser363Cys (NM_001405661.1, NM_001405662.1, NM_001405663.1 and 1 more transcripts); short protein forms S363C.
Identifiers: ClinVar variation 4845321 (VCV004845321.2).

ClinVar aggregate classification (germline): Uncertain significance (1 of 4 stars; one submission).

Conditions:
Leukodystrophy, hypomyelinating, 24 (HLD24). Identifiers: MedGen C5676974, MONDO:0859242, OMIM 619851.

Submission:

Victorian Clinical Genetics Services, Murdoch Childrens Research Institute
Classification: Uncertain significance for Leukodystrophy, hypomyelinating, 24. Last evaluated: 2026-03-03. Review status: criteria provided, single submitter. Criteria: ACMG Guidelines, 2015. Collection method: clinical testing. Allele origin: germline. Affected: yes.
Comment: This variant is classified as VUS-3A. Evidence in support of pathogenic classification: Variant is present in gnomAD <0.001 for a dominant condition (v2: 1 heterozygote(s), 0 homozygote(s)); Missense variant predicted to be damaging by in silico tool(s) or highly conserved with a major amino acid change. Additional information: Variant is predicted to result in a missense amino acid change from Ser to Cys; This variant is heterozygous; This gene is associated with autosomal dominant disease; This variant has no previous evidence of pathogenicity; No published evidence of segregation with disease has been identified for this variant; No published functional evidence has been identified for this variant; No comparable missense variants have previous evidence for pathogenicity; Variant is not located in an established domain, motif, hotspot or informative constraint region; Gain of function is a known mechanism of disease in this gene and is associated with leukodystrophy, hypomyelinating, 24 (MIM#619851), where missense variants at phospholipid entry and exit sites acquire the ability to recognize phosphatidylcholine and bring it into cells (PMIDs: 34403372, 39432785). Loss of function is a suggested mechanism of deafness, autosomal dominant 84 (MIM#619810) (PMIDs: 35278131, 36300302); Variants in this gene are known to have variable expressivity (PMIDs: 40185629); Inheritance information for this variant is not currently available in this individual.

Literature cited by the submitters: PubMed 35278131; PubMed 40185629; PubMed 34403372; PubMed 36300302; PubMed 39432785.